The following is an entry in ClinVar:

NM_012233.3(RAB3GAP1):c.1793A>G (p.Asn598Ser)

Gene: RAB3GAP1 (RAB3 GTPase activating protein catalytic subunit 1; plus strand). Cytogenetic location: 2q21.3.
Variant type: single nucleotide variant.
Coding change: c.1793A>G on transcript NM_012233.3 (MANE Select); coding-DNA position 1793, A replaced by G.
Protein change: p.Asn598Ser; replaces asparagine 598 with serine.
Molecular consequence: missense variant.
Genome position (GRCh38, 1-based): chr2:135,135,802, A>G. VCF-style: chr2-135135802-A-G. GRCh37 (hg19) VCF-style: chr2-135893372-A-G.
Other names: c.1793A>G, p.Asn598Ser (NM_001172435.2); short protein forms N598S.
Identifiers: ClinVar variation 130064 (VCV000130064.25), dbSNP rs10445686, ClinGen allele CA154833.

ClinVar aggregate classification (germline): Benign. Review status: criteria provided, multiple submitters, no conflicts (2 of 4 stars). 13 submissions from 12 submitters: Benign (9). 4 of the submissions do not count toward it. Last evaluated 2026-02-03.

Conditions:
Martsolf syndrome 2. Identifiers: MedGen C5543626, MONDO:0030376, OMIM 619420.
Warburg micro syndrome 1 (WARBM1). Identifiers: Orphanet 2510, MedGen C1838625, MONDO:0010822, OMIM 600118.

Allele frequency attached by ClinVar (database versions not stated): ESP Exome Variant Server 0.11241; gnomAD 0.14088; TOPMed 0.14447; gnomAD exomes 0.20436; 1000 Genomes Project 30x 0.20534; 1000 Genomes Project 0.21446.

Submissions (13):

Labcorp Genetics (formerly Invitae), Labcorp
Classification: Benign. Last evaluated: 2026-02-03. Review status: criteria provided, single submitter. Criteria: Invitae Variant Classification Sherloc (09022015). Collection method: clinical testing. Allele origin: germline.

Mayo Clinic Laboratories, Mayo Clinic
Classification: Benign. Last evaluated: 2022-03-24. Review status: criteria provided, single submitter. Criteria: ACMG Guidelines, 2015. Collection method: clinical testing. Allele origin: germline. Observed: 256 variant alleles.

Genome-Nilou Lab
Classification: Benign for Martsolf syndrome 2. Last evaluated: 2021-11-07. Review status: criteria provided, single submitter. Criteria: ACMG Guidelines, 2015. Collection method: clinical testing. Allele origin: germline. Affected: no.

Genome-Nilou Lab
Classification: Benign for Warburg micro syndrome 1. Last evaluated: 2021-11-07. Review status: criteria provided, single submitter. Criteria: ACMG Guidelines, 2015. Collection method: clinical testing. Allele origin: germline. Affected: no.

Athena Diagnostics
Classification: Benign. Last evaluated: 2018-05-07. Review status: criteria provided, single submitter. Criteria: Athena Diagnostics Criteria. Collection method: clinical testing. Allele origin: germline.

Illumina Laboratory Services, Illumina
Classification: Benign for Warburg micro syndrome 1. Last evaluated: 2018-01-12. Review status: criteria provided, single submitter. Criteria: ICSL Variant Classification Criteria 13 December 2019. Collection method: clinical testing. Allele origin: germline.
Comment: This variant was observed in the ICSL laboratory as part of a predisposition screen in an ostensibly healthy population. It had not been previously curated by ICSL or reported in the Human Gene Mutation Database (HGMD: prior to June 1st, 2018), and was therefore a candidate for classification through an automated scoring system. Utilizing variant allele frequency, disease prevalence and penetrance estimates, and inheritance mode, an automated score was calculated to assess if this variant is too frequent to cause the disease. Based on the score and internal cut-off values, a variant classified as benign is not then subjected to further curation. The score for this variant resulted in a classification of benign for this disease.

GeneDx
Classification: Benign. Last evaluated: 2015-03-03. Review status: criteria provided, single submitter. Criteria: GeneDx Variant Classification Process June 2021. Collection method: clinical testing. Allele origin: germline. Affected: yes.

Breakthrough Genomics
Classification: Benign. Review status: criteria provided, single submitter. Criteria: ACMG Guidelines, 2015. Collection method: not provided. Allele origin: germline. Inheritance: Autosomal recessive inheritance. Affected: yes.

PreventionGenetics, part of Exact Sciences
Classification: Benign. Review status: criteria provided, single submitter. Criteria: ACMG Guidelines, 2015. Collection method: clinical testing. Allele origin: germline.

Clinical Genetics DNA and cytogenetics Diagnostics Lab, Erasmus MC, Erasmus Medical Center
Classification: Benign. Review status: no assertion criteria provided. Collection method: clinical testing. Allele origin: germline. Affected: yes. Study: VKGL Data-share Consensus. Not counted in ClinVar's aggregate classification.

Diagnostic Laboratory, Department of Genetics, University Medical Center Groningen
Classification: Benign for Warburg micro syndrome 1. Review status: no assertion criteria provided. Collection method: clinical testing. Allele origin: germline. Affected: yes. Study: VKGL Data-share Consensus. Not counted in ClinVar's aggregate classification.

Genetic Services Laboratory, University of Chicago
Classification: Likely benign for AllHighlyPenetrant. Review status: no assertion criteria provided. Collection method: clinical testing. Allele origin: germline. Inheritance: Autosomal recessive inheritance. Not counted in ClinVar's aggregate classification.
Comment: Likely benign based on allele frequency in 1000 Genomes Project or ESP global frequency and its presence in a patient with a rare or unrelated disease phenotype. NOT Sanger confirmed.

Joint Genome Diagnostic Labs from Nijmegen and Maastricht, Radboudumc and MUMC+
Classification: Benign. Review status: no assertion criteria provided. Collection method: clinical testing. Allele origin: germline. Affected: yes. Study: VKGL Data-share Consensus. Not counted in ClinVar's aggregate classification.